The following is an entry in ClinVar:

ClinVar aggregate classification (germline): Benign. Review status: criteria provided, multiple submitters, no conflicts (2 of 4 stars). 3 submissions from 3 submitters: Benign (2). 1 of the submissions does not count toward it. Last evaluated 2026-02-02.

Conditions:
SLC9A3-related disorder. Also called: SLC9A3-related condition.

Allele frequency attached by ClinVar (database versions not stated): ESP Exome Variant Server 0.00062; gnomAD exomes 0.00279 and 0.00824; TOPMed 0.00397; gnomAD 0.00518; 1000 Genomes Project 30x 0.00609; 1000 Genomes Project 0.00619; ExAC 0.00683.
gnomAD v4.1: 4,870 of 1,612,256 alleles (0.3%); highest among the groups gnomAD compares: Admixed American, 2.4%; 86 homozygotes.

Submissions (3):

Labcorp Genetics (formerly Invitae), Labcorp
Classification: Benign. Last evaluated: 2026-02-02. Review status: criteria provided, single submitter. Criteria: Invitae Variant Classification Sherloc (09022015). Collection method: clinical testing. Allele origin: germline.

Breakthrough Genomics
Classification: Benign. Review status: criteria provided, single submitter. Criteria: ACMG Guidelines, 2015. Collection method: not provided. Allele origin: germline. Inheritance: Autosomal recessive inheritance. Affected: yes.

PreventionGenetics, part of Exact Sciences
Classification: Benign for SLC9A3-related condition. Last evaluated: 2019-12-05. Review status: no assertion criteria provided. Collection method: clinical testing. Allele origin: germline. Not counted in ClinVar's aggregate classification.
Comment: This variant is classified as benign based on ACMG/AMP sequence variant interpretation guidelines (Richards et al. 2015 PMID: 25741868, with internal and published modifications).

NM_004174.4(SLC9A3):c.1728G>A (p.Ser576=)

Genes: SLC9A3 (solute carrier family 9 member A3), SLC9A3-AS1 (SLC9A3 antisense RNA 1; plus strand). Cytogenetic location: 5p15.33.
Variant type: single nucleotide variant.
Coding change: c.1728G>A on transcript NM_004174.4 (MANE Select); coding-DNA position 1728, G replaced by A.
Protein change: p.Ser576=; no amino-acid change (serine 576 retained).
Molecular consequence: synonymous variant.
Genome position (GRCh38, 1-based): chr5:477,364, C>T on the plus strand (G>A on the coding strand, the complement: SLC9A3 is on the minus strand). VCF-style: chr5-477364-C-T. GRCh37 (hg19) VCF-style: chr5-477479-C-T.
Other names: c.1701G>A, p.Ser567= (NM_001284351.3).
Identifiers: ClinVar variation 791026 (VCV000791026.14), dbSNP rs117027344, ClinGen allele CA3175751.